The following is an entry in ClinVar:

NM_004260.4(RECQL4):c.1676G>C (p.Arg559Thr)

Gene: RECQL4 (RecQ like helicase 4; minus strand). Cytogenetic location: 8q24.3.
Variant type: single nucleotide variant.
Coding change: c.1676G>C on transcript NM_004260.4 (MANE Select); coding-DNA position 1676, G replaced by C.
Protein change: p.Arg559Thr; replaces arginine 559 with threonine.
Molecular consequence: missense variant.
Genome position (GRCh38, 1-based): chr8:144,514,470, C>G on the plus strand (G>C on the coding strand, the complement: RECQL4 is on the minus strand). VCF-style: chr8-144514470-C-G. GRCh37 (hg19) VCF-style: chr8-145739854-C-G.
Other names: c.1676G>C (NM_004260.3); short protein forms R559T.
Identifiers: ClinVar variation 1361047 (VCV001361047.7), dbSNP rs1324762406, ClinGen allele CA372681662.

ClinVar aggregate classification (germline): Uncertain significance. Review status: criteria provided, multiple submitters, no conflicts (2 of 4 stars). 2 submissions from 2 submitters: Uncertain significance (2). Last evaluated 2025-07-30.

Conditions:
Inborn genetic diseases. Identifiers: MedGen C0950123, MeSH D030342.
Baller-Gerold syndrome (BGS). Also called: CRANIOSYNOSTOSIS WITH RADIAL DEFECTS. Identifiers: Orphanet 1225, MedGen C0265308, MONDO:0009039, OMIM 218600.

gnomAD v4.1: 8 of 1,612,348 alleles (0.0005%); highest among the groups gnomAD compares: Non-Finnish European, 0.00068%; no homozygotes.

Submissions (2):

Labcorp Genetics (formerly Invitae), Labcorp
Classification: Uncertain significance for Baller-Gerold syndrome. Last evaluated: 2025-07-30. Review status: criteria provided, single submitter. Criteria: Invitae Variant Classification Sherloc (09022015). Collection method: clinical testing. Allele origin: germline.
Comment: This sequence change replaces arginine, which is basic and polar, with threonine, which is neutral and polar, at codon 559 of the RECQL4 protein (p.Arg559Thr). This variant is not present in population databases (gnomAD no frequency). This variant has not been reported in the literature in individuals affected with RECQL4-related conditions. ClinVar contains an entry for this variant (Variation ID: 1361047). Invitae Evidence Modeling of protein sequence and biophysical properties (such as structural, functional, and spatial information, amino acid conservation, physicochemical variation, residue mobility, and thermodynamic stability) indicates that this missense variant is not expected to disrupt RECQL4 protein function with a negative predictive value of 80%. In summary, the available evidence is currently insufficient to determine the role of this variant in disease. Therefore, it has been classified as a Variant of Uncertain Significance.

Ambry Genetics
Classification: Uncertain significance for Inborn genetic diseases. Last evaluated: 2024-12-19. Review status: criteria provided, single submitter. Criteria: Ambry Variant Classification Scheme 2023. Collection method: clinical testing. Allele origin: germline.
Comment: The p.R559T variant (also known as c.1676G>C), located in coding exon 10 of the RECQL4 gene, results from a G to C substitution at nucleotide position 1676. The arginine at codon 559 is replaced by threonine, an amino acid with similar properties. This amino acid position is conserved. In addition, this alteration is predicted to be tolerated by in silico analysis. Based on the available evidence, the clinical significance of this variant remains unclear.